The following is an entry in ClinVar:

ClinVar aggregate classification (germline): Benign. Review status: criteria provided, multiple submitters, no conflicts (2 of 4 stars). 2 submissions from 2 submitters: Benign (2). Last evaluated 2018-06-19.

Allele frequency attached by ClinVar (database versions not stated): ExAC 0.06772; 1000 Genomes Project 0.07208; 1000 Genomes Project 30x 0.07370; gnomAD 0.08775 and 0.09160; TOPMed 0.09026; ESP Exome Variant Server 0.10057.
gnomAD v4.1: 118,041 of 1,613,786 alleles (7.3%); highest among the groups gnomAD compares: African/African-American, 14%; 4,817 homozygotes.

Submissions (2):

GeneDx
Classification: Benign. Last evaluated: 2018-06-19. Review status: criteria provided, single submitter. Criteria: GeneDx Variant Classification (06012015). Collection method: clinical testing. Allele origin: germline. Affected: yes.
Comment: This variant is considered likely benign or benign based on one or more of the following criteria: it is a conservative change, it occurs at a poorly conserved position in the protein, it is predicted to be benign by multiple in silico algorithms, and/or has population frequency not consistent with disease.

Breakthrough Genomics
Classification: Benign. Review status: criteria provided, single submitter. Criteria: ACMG Guidelines, 2015. Collection method: not provided. Allele origin: germline. Inheritance: Autosomal dominant inheritance. Affected: yes.

NM_033118.4(MYLK2):c.1083-40C>G

Gene: MYLK2 (myosin light chain kinase 2; plus strand). Cytogenetic location: 20q11.21.
Variant type: single nucleotide variant.
Coding change: c.1083-40C>G on transcript NM_033118.4 (MANE Select); 40 bases into the intron before coding-DNA position 1083, C replaced by G.
Molecular consequence: intron variant.
Genome position (GRCh38, 1-based): chr20:31,826,757, C>G. VCF-style: chr20-31826757-C-G. GRCh37 (hg19) VCF-style: chr20-30414560-C-G.
Identifiers: ClinVar variation 671502 (VCV000671502.2), dbSNP rs41293108, ClinGen allele CA9803104.